The following is an entry in ClinVar:

ClinVar aggregate classification (germline): Likely pathogenic (1 of 4 stars; one submission).

Conditions:
Hereditary insensitivity to pain with anhidrosis (CIPA). Also called: HSAN Type IV; NTRK1 Congenital Insensitivity to Pain with Anhidrosis; FAMILIAL DYSAUTONOMIA, TYPE II; hereditary sensory and autonomic neuropathy type 4; NEUROPATHY, CONGENITAL SENSORY, WITH ANHIDROSIS; INSENSITIVITY TO PAIN, CONGENITAL, WITH ANHIDROSIS. Identifiers: Orphanet 642, MedGen C0020074, MONDO:0009746, OMIM 256800.

gnomAD v4.1: 1 of 1,614,164 alleles (0.000062%); highest among the groups gnomAD compares: Non-Finnish European, 0.000085%; no homozygotes.

Submission:

Labcorp Genetics (formerly Invitae), Labcorp
Classification: Likely pathogenic for Hereditary insensitivity to pain with anhidrosis. Last evaluated: 2024-09-01. Review status: criteria provided, single submitter. Criteria: Invitae Variant Classification Sherloc (09022015). Collection method: clinical testing. Allele origin: germline.
Comment: This sequence change affects an acceptor splice site in intron 3 of the NTRK1 gene. It is expected to disrupt RNA splicing. Variants that disrupt the donor or acceptor splice site typically lead to a loss of protein function (PMID: 16199547), and loss-of-function variants in NTRK1 are known to be pathogenic (PMID: 10982191). This variant is not present in population databases (gnomAD no frequency). This variant has not been reported in the literature in individuals affected with NTRK1-related conditions. Algorithms developed to predict the effect of sequence changes on RNA splicing suggest that this variant may disrupt the consensus splice site. In summary, the currently available evidence indicates that the variant is pathogenic, but additional data are needed to prove that conclusively. Therefore, this variant has been classified as Likely Pathogenic.

Literature cited by the submitters: PubMed 16199547; PubMed 10982191.

NM_002529.4(NTRK1):c.360-2A>G

Gene: NTRK1 (neurotrophic receptor tyrosine kinase 1; plus strand). Cytogenetic location: 1q23.1.
Variant type: single nucleotide variant.
Coding change: c.360-2A>G on transcript NM_002529.4 (MANE Select); the canonical splice acceptor site of the intron before coding-DNA position 360, A replaced by G.
Molecular consequence: splice acceptor variant.
Genome position (GRCh38, 1-based): chr1:156,866,908, A>G. VCF-style: chr1-156866908-A-G. GRCh37 (hg19) VCF-style: chr1-156836700-A-G.
Other names: c.270-2A>G (NM_001007792.1); c.360-2A>G (NM_001012331.2).
Identifiers: ClinVar variation 2723900 (VCV002723900.3), dbSNP rs797045059, ClinGen allele CA342933096.